The following is an entry in ClinVar:

NM_012401.4(PLXNB2):c.1512C>T (p.Ala504=)

Gene: PLXNB2 (plexin B2; minus strand). Cytogenetic location: 22q13.33.
Variant type: single nucleotide variant.
Coding change: c.1512C>T on transcript NM_012401.4 (MANE Select); coding-DNA position 1512, C replaced by T.
Protein change: p.Ala504=; no amino-acid change (alanine 504 retained).
Molecular consequence: synonymous variant.
Genome position (GRCh38, 1-based): chr22:50,287,763, G>A on the plus strand (C>T on the coding strand, the complement: PLXNB2 is on the minus strand). VCF-style: chr22-50287763-G-A. GRCh37 (hg19) VCF-style: chr22-50726192-G-A.
Other names: c.1512C>T, p.Ala504= (NM_001376876.1, NM_001376877.1, NM_001376878.1 and 20 more transcripts).
Identifiers: ClinVar variation 3905351 (VCV003905351.10).

ClinVar aggregate classification (germline): Likely benign (1 of 4 stars; one submission).

gnomAD v4.1: 32 of 1,580,250 alleles (0.002%); highest among the groups gnomAD compares: South Asian, 0.0057%; no homozygotes.

Submission:

CeGaT Center for Human Genetics Tuebingen
Classification: Likely benign. Last evaluated: 2025-05-01. Review status: criteria provided, single submitter. Criteria: CeGaT Center For Human Genetics Tuebingen Variant Classification Criteria Version 2. Collection method: clinical testing. Allele origin: germline. Affected: yes. Observed: 1 variant allele.
Comment: PLXNB2: BP4, BP7